The following is an entry in ClinVar:

NM_000051.4(ATM):c.5293C>T (p.Gln1765Ter)

Gene: ATM (ATM serine/threonine kinase; plus strand). Cytogenetic location: 11q22.3.
Variant type: single nucleotide variant.
Coding change: c.5293C>T on transcript NM_000051.4 (MANE Select); coding-DNA position 5293, C replaced by T.
Protein change: p.Gln1765Ter; replaces glutamine 1765 with a stop codon.
Molecular consequence: nonsense.
Genome position (GRCh38, 1-based): chr11:108,301,763, C>T. VCF-style: chr11-108301763-C-T. GRCh37 (hg19) VCF-style: chr11-108172490-C-T.
Other names: c.5293C>T, p.Gln1765Ter (NM_001351834.2); short protein forms Q1765*.
Identifiers: ClinVar variation 1073216 (VCV001073216.14), dbSNP rs2083444895, ClinGen allele CA382542711.

ClinVar aggregate classification (germline): Pathogenic. Review status: criteria provided, multiple submitters, no conflicts (2 of 4 stars). 4 submissions from 4 submitters: Pathogenic (4). Last evaluated 2026-03-13.

Conditions:
Hereditary cancer-predisposing syndrome. Also called: Hereditary Cancer Syndrome; Neoplastic Syndromes, Hereditary; Tumor predisposition; Hereditary neoplastic syndrome. Identifiers: Orphanet 140162, MedGen C0027672, MeSH D009386, MONDO:0015356.
Familial cancer of breast. Also called: BREAST CANCER, FAMILIAL; hereditary breast carcinoma; Hereditary breast cancer. Identifiers: Orphanet 227535, MedGen C0346153, MONDO:0016419, OMIM 114480. Disease mechanism: loss of function.
Ataxia-telangiectasia syndrome (AT). Also called: LOUIS-BAR SYNDROME; Ataxia-telangiectasia, complementation group D; AT, COMPLEMENTATION GROUP C; ATAXIA-TELANGIECTASIA, COMPLEMENTATION GROUP A; ATAXIA-TELANGIECTASIA, FRESNO VARIANT; Ataxia-telangiectasia, complementation group E. Identifiers: Orphanet 100, MedGen C0004135, MONDO:0008840, OMIM 208900.

Allele frequency attached by ClinVar (database versions not stated): gnomAD 0.00001.
gnomAD v4.1: 1 of 1,613,516 alleles (0.000062%); highest among the groups gnomAD compares: African/African-American, 0.0013%; no homozygotes.

Submissions (4):

Ambry Genetics
Classification: Pathogenic for Hereditary cancer-predisposing syndrome. Last evaluated: 2026-03-13. Review status: criteria provided, single submitter. Criteria: Ambry Variant Classification Scheme 2023. Collection method: clinical testing. Allele origin: germline.
Comment: The p.Q1765* pathogenic mutation (also known as c.5293C>T), located in coding exon 34 of the ATM gene, results from a C to T substitution at nucleotide position 5293. This changes the amino acid from a glutamine to a stop codon within coding exon 34. This variant has been identified in conjunction with other ATM variant(s) in individual(s) with features consistent with ataxia telangiectasia (Chen Z et al. Neurobiol Aging, 2013 Oct;34:2442.e11-7). This variant is considered to be rare based on population cohorts in the Genome Aggregation Database (gnomAD). This alteration is expected to result in loss of function by premature protein truncation or nonsense-mediated mRNA decay. As such, this alteration is interpreted as a disease-causing mutation.

Myriad Genetics, Inc.
Classification: Pathogenic for Familial cancer of breast. Last evaluated: 2024-01-25. Review status: criteria provided, single submitter. Criteria: Myriad Autosomal Dominant, Autosomal Recessive and X-Linked Classification Criteria (2023). Collection method: clinical testing. Allele origin: unknown.
Comment: This variant is considered pathogenic. This variant creates a termination codon and is predicted to result in premature protein truncation.

Labcorp Genetics (formerly Invitae), Labcorp
Classification: Pathogenic for Ataxia-telangiectasia syndrome. Last evaluated: 2023-08-11. Review status: criteria provided, single submitter. Criteria: Invitae Variant Classification Sherloc (09022015). Collection method: clinical testing. Allele origin: germline.
Comment: For these reasons, this variant has been classified as Pathogenic. Algorithms developed to predict the effect of sequence changes on RNA splicing suggest that this variant may disrupt the consensus splice site. ClinVar contains an entry for this variant (Variation ID: 1073216). This premature translational stop signal has been observed in individual(s) with ataxia telangiectasia (PMID: 10817650). This variant is not present in population databases (gnomAD no frequency). This sequence change creates a premature translational stop signal (p.Gln1765*) in the ATM gene. It is expected to result in an absent or disrupted protein product. Loss-of-function variants in ATM are known to be pathogenic (PMID: 23807571, 25614872).

Color Diagnostics, LLC DBA Color Health
Classification: Pathogenic for Hereditary cancer-predisposing syndrome. Last evaluated: 2021-08-09. Review status: criteria provided, single submitter. Criteria: ACMG Guidelines, 2015. Collection method: clinical testing. Allele origin: germline.
Comment: This variant changes 1 nucleotide in exon 35 of the ATM gene, creating a premature translation stop signal. This variant is expected to result in an absent or non-functional protein product. This variant has been reported in individuals affected with ataxia telangiectasia (PMID: 10817650 , 23726790). This variant has not been identified in the general population by the Genome Aggregation Database (gnomAD). Loss of ATM function is a known mechanism of disease. Based on the available evidence, this variant is classified as Pathogenic.

Literature cited by the submitters: PubMed 23726790 (cited by Ambry Genetics); PubMed 10817650 (cited by Labcorp Genetics (formerly Invitae), Labcorp); PubMed 23807571 (cited by Labcorp Genetics (formerly Invitae), Labcorp); PubMed 25614872 (cited by Labcorp Genetics (formerly Invitae), Labcorp).